The following is an entry in ClinVar:

NM_001127671.2(LIFR):c.1438-2A>G

Gene: LIFR (LIF receptor subunit alpha; minus strand). Cytogenetic location: 5p13.1.
Variant type: single nucleotide variant.
Coding change: c.1438-2A>G on transcript NM_001127671.2 (MANE Select); the canonical splice acceptor site of the intron before coding-DNA position 1438, A replaced by G.
Molecular consequence: splice acceptor variant.
Genome position (GRCh38, 1-based): chr5:38,502,801, T>C on the plus strand (A>G on the coding strand, the complement: LIFR is on the minus strand). VCF-style: chr5-38502801-T-C. GRCh37 (hg19) VCF-style: chr5-38502903-T-C.
Other names: c.1438-2A>G (NM_002310.6, NM_001364298.2, NM_001364297.2).
Identifiers: ClinVar variation 2750077 (VCV002750077.3), dbSNP rs2531029612, ClinGen allele CA359542439.

ClinVar aggregate classification (germline): Likely pathogenic (1 of 4 stars; one submission).

Submission:

Labcorp Genetics (formerly Invitae), Labcorp
Classification: Likely pathogenic. Last evaluated: 2023-08-04. Review status: criteria provided, single submitter. Criteria: Invitae Variant Classification Sherloc (09022015). Collection method: clinical testing. Allele origin: germline.
Comment: This sequence change affects an acceptor splice site in intron 10 of the LIFR gene. It is expected to disrupt RNA splicing. Variants that disrupt the donor or acceptor splice site typically lead to a loss of protein function (PMID: 16199547), and loss-of-function variants in LIFR are known to be pathogenic (PMID: 14740318). This variant is not present in population databases (gnomAD no frequency). This variant has not been reported in the literature in individuals affected with LIFR-related conditions. Algorithms developed to predict the effect of sequence changes on RNA splicing suggest that this variant may disrupt the consensus splice site. In summary, the currently available evidence indicates that the variant is pathogenic, but additional data are needed to prove that conclusively. Therefore, this variant has been classified as Likely Pathogenic.

Literature cited by the submitters: PubMed 16199547; PubMed 14740318.